The following is an entry in ClinVar:

ClinVar aggregate classification (germline): Uncertain significance (1 of 4 stars; one submission).

Allele frequency attached by ClinVar (database versions not stated): gnomAD exomes below 0.00001; TOPMed below 0.00001.
gnomAD v4.1: 2 of 1,613,484 alleles (0.00012%); highest among the groups gnomAD compares: Non-Finnish European, 0.00017%; no homozygotes.

Submission:

Labcorp Genetics (formerly Invitae), Labcorp
Classification: Uncertain significance. Last evaluated: 2022-03-23. Review status: criteria provided, single submitter. Criteria: Invitae Variant Classification Sherloc (09022015). Collection method: clinical testing. Allele origin: germline.
Comment: In summary, the available evidence is currently insufficient to determine the role of this variant in disease. Therefore, it has been classified as a Variant of Uncertain Significance. Algorithms developed to predict the effect of missense changes on protein structure and function (SIFT, PolyPhen-2, Align-GVGD) all suggest that this variant is likely to be disruptive. This variant has not been reported in the literature in individuals affected with LOXL3-related conditions. This variant is not present in population databases (gnomAD no frequency). This sequence change replaces leucine, which is neutral and non-polar, with proline, which is neutral and non-polar, at codon 309 of the LOXL3 protein (p.Leu309Pro).

NM_032603.5(LOXL3):c.926T>C (p.Leu309Pro)

Gene: LOXL3 (lysyl oxidase like 3; minus strand). Cytogenetic location: 2p13.1.
Variant type: single nucleotide variant.
Coding change: c.926T>C on transcript NM_032603.5 (MANE Select); coding-DNA position 926, T replaced by C.
Protein change: p.Leu309Pro; replaces leucine 309 with proline.
Molecular consequence: missense variant. On other transcripts: 5 prime UTR variant (1).
Genome position (GRCh38, 1-based): chr2:74,536,458, A>G on the plus strand (T>C on the coding strand, the complement: LOXL3 is on the minus strand). VCF-style: chr2-74536458-A-G. GRCh37 (hg19) VCF-style: chr2-74763585-A-G.
Other names: c.491T>C, p.Leu164Pro (NM_001289164.3); c.-158T>C (NM_001289165.2); short protein forms L164P, L309P.
Identifiers: ClinVar variation 2115853 (VCV002115853.2), dbSNP rs1338721909, ClinGen allele CA347390582.
Genomic context (GRCh38, chr2:74,536,458, plus strand): 5'-CCCCATGTGCTGGCCTTCAGGACTTCTACCCGGCCCTCTCCAGGGTGGGCGCCGCCCTTT[A>G]GACGGACACGGGCCTATAGAAGAGAGAAGTGCCCAACAGAGGCAAATGGCAACATCTGCA-3'
Protein context (NP_115992.1, residues 299-319): SKPQGEARVR[Leu309Pro]KGGAHPGEGR